The following is an entry in ClinVar:

NM_080680.3(COL11A2):c.1119+1G>C

Gene: COL11A2 (collagen type XI alpha 2 chain; minus strand). Cytogenetic location: 6p21.32.
Variant type: single nucleotide variant.
Coding change: c.1119+1G>C on transcript NM_080680.3 (MANE Select); the canonical splice donor site of the intron after coding-DNA position 1119, G replaced by C.
Molecular consequence: splice donor variant. On other transcripts: intron variant (2).
Genome position (GRCh38, 1-based): chr6:33,184,144, C>G on the plus strand (G>C on the coding strand, the complement: COL11A2 is on the minus strand). VCF-style: chr6-33184144-C-G. GRCh37 (hg19) VCF-style: chr6-33151921-C-G.
Other names: c.798+2483G>C (NM_080679.3); c.861+848G>C (NM_080681.3).
Identifiers: ClinVar variation 228527 (VCV000228527.5), dbSNP rs367706373, ClinGen allele CA10576688.

ClinVar aggregate classification (germline): Conflicting classifications of pathogenicity. Review status: criteria provided, conflicting classifications (1 of 4 stars). 2 submissions from 2 submitters: Likely pathogenic (1); Uncertain significance (1). Last evaluated 2023-09-01.

Conditions:
COL11A2-related disorder. Also called: COL11A2-related condition; COL11A2-related disorders.

gnomAD v4.1: 3 of 1,367,220 alleles (0.00022%); highest among the groups gnomAD compares: South Asian, 0.0034%; no homozygotes.

Submissions (2):

PreventionGenetics, part of Exact Sciences
Classification: Likely pathogenic for COL11A2-related condition. Last evaluated: 2023-09-01. Review status: criteria provided, single submitter. Criteria: ACMG Guidelines, 2015. Collection method: clinical testing. Allele origin: germline.
Comment: The COL11A2 c.1119+1G>C variant is predicted to disrupt the GT donor site and interfere with normal splicing. To our knowledge, this variant has not been reported in the literature or in a large population database, indicating this variant is rare. Variants that disrupt the consensus splice donor site in COL11A2 are expected to be pathogenic. This variant is interpreted as likely pathogenic.

Laboratory for Molecular Medicine, Mass General Brigham Personalized Medicine
Classification: Uncertain significance. Last evaluated: 2016-02-26. Review status: criteria provided, single submitter. Criteria: LMM Criteria. Collection method: clinical testing. Allele origin: germline. Observed: 1 variant allele.
Comment: Variant classified as Uncertain Significance - Favor Pathogenic. The c.1119+1G>C variant in COL11A2 (NM_080680.2) has not been previously reported and was absen t from large population studies. This variant occurs in the invariant region of the 5' splice consensus sequence of intron 8 and is predicted to cause altered s plicing, which may result in a truncated or absent protein. Loss-of-function var iants in the COL11A2 gene cause autosomal recessive OSMED syndrome and in frame deletions due to exon skipping have been reported in autosomal dominant Stickler syndrome. However, other transcript isoforms (NM_080681 and NM_080679) of the C OL11A2 gene do not contain exon 8 of this transcript, and the variant lies in an intronic region that is distant from any splice sites in those isoforms. To dat e, variants affecting exon 8 of this transcript isoform (NM_080680.2) or unique to this isoform have not been reported in affected individuals. Therefore, altho ugh the variant is expected to alter splicing, the biological importance of this exon and the impact of the variant on normal protein function cannot be predict ed. In summary, while there is some suspicion for a pathogenic role, the clinica l significance of this variant is uncertain.